The following is an entry in ClinVar:

ClinVar aggregate classification (germline): Uncertain significance (1 of 4 stars; one submission).

Conditions:
Cardiovascular phenotype. Identifiers: MedGen CN230736.

Submission:

Ambry Genetics
Classification: Uncertain significance for Cardiovascular phenotype. Last evaluated: 2026-03-29. Review status: criteria provided, single submitter. Criteria: Ambry Variant Classification Scheme 2023. Collection method: clinical testing. Allele origin: germline.
Comment: The p.P3832R variant (also known as c.11495C>G), located in coding exon 43 of the ANK2 gene, results from a C to G substitution at nucleotide position 11495. The proline at codon 3832 is replaced by arginine, an amino acid with dissimilar properties. This amino acid position is conserved. In addition, this alteration is predicted to be tolerated by in silico analysis. Based on the available evidence, the clinical significance of this variant remains unclear.

NM_001148.6(ANK2):c.11495C>G (p.Pro3832Arg)

Gene: ANK2 (ankyrin 2; plus strand). Cytogenetic location: 4q26.
Variant type: single nucleotide variant.
Coding change: c.11495C>G on transcript NM_001148.6 (MANE Select); coding-DNA position 11495, C replaced by G.
Protein change: p.Pro3832Arg; replaces proline 3832 with arginine.
Molecular consequence: missense variant.
Genome position (GRCh38, 1-based): chr4:113,369,690, C>G. VCF-style: chr4-113369690-C-G. GRCh37 (hg19) VCF-style: chr4-114290846-C-G.
Other names: c.2768C>G, p.Pro923Arg (NM_001354278.2, NM_001354281.2); c.2804C>G, p.Pro935Arg (NM_001354279.2, NM_001354282.2); c.2789C>G, p.Pro930Arg (NM_001354280.2); c.11261C>G, p.Pro3754Arg (NM_001386142.1); c.5177C>G, p.Pro1726Arg (NM_001386143.1, NM_001354243.2, NM_001354255.2); c.5285C>G, p.Pro1762Arg (NM_001386144.1, NM_001354240.2, NM_001354241.2); c.5021C>G, p.Pro1674Arg (NM_001386146.1, NM_001386149.1, NM_001386150.1 and 1 more transcripts); c.5066C>G, p.Pro1689Arg (NM_001386147.1); and 35 more; short protein forms P1586R, P1619R, P1647R, P1652R, P1660R, P1669R, P1672R, P1674R.
Identifiers: ClinVar variation 4858070 (VCV004858070.1).